The following is an entry in ClinVar:

ClinVar aggregate classification (germline): Benign (1 of 4 stars; one submission).

Conditions:
Coxopodopatellar syndrome. Also called: Congenital coxa vara, patella aplasia and tarsal synostosis; ISCHIOPATELLAR DYSPLASIA; SCOTT-TAOR SYNDROME; Small patella syndrome; ISCHIOCOXOPODOPATELLAR SYNDROME; PATELLA APLASIA, COXA VARA, AND TARSAL SYNOSTOSIS. Identifiers: Orphanet 1509, MedGen C1840061, MONDO:0007841, OMIM 147891.

Allele frequency attached by ClinVar (database versions not stated): gnomAD 0.01084 and 0.01156; TOPMed 0.01261; 1000 Genomes Project 0.01358; 1000 Genomes Project 30x 0.01421.

Submission:

Illumina Laboratory Services, Illumina
Classification: Benign for Coxopodopatellar syndrome. Last evaluated: 2018-01-13. Review status: criteria provided, single submitter. Criteria: ICSL Variant Classification Criteria 13 December 2019. Collection method: clinical testing. Allele origin: germline.
Comment: This variant was observed in the ICSL laboratory as part of a predisposition screen in an ostensibly healthy population. It had not been previously curated by ICSL or reported in the Human Gene Mutation Database (HGMD: prior to June 1st, 2018), and was therefore a candidate for classification through an automated scoring system. Utilizing variant allele frequency, disease prevalence and penetrance estimates, and inheritance mode, an automated score was calculated to assess if this variant is too frequent to cause the disease. Based on the score and internal cut-off values, a variant classified as benign is not then subjected to further curation. The score for this variant resulted in a classification of benign for this disease.

NM_001321120.2(TBX4):c.*759A>G

Gene: TBX4 (T-box transcription factor 4; plus strand). Cytogenetic location: 17q23.2.
Variant type: single nucleotide variant.
Coding change: c.*759A>G on transcript NM_001321120.2 (MANE Select); 759 bases downstream of the stop codon, A replaced by G.
Molecular consequence: 3 prime UTR variant.
Genome position (GRCh38, 1-based): chr17:61,484,275, A>G. VCF-style: chr17-61484275-A-G. GRCh37 (hg19) VCF-style: chr17-59561636-A-G.
Other names: c.*759A>G (NM_018488.3).
Identifiers: ClinVar variation 891956 (VCV000891956.4), dbSNP rs59569849, ClinGen allele CA292269343.
Genomic context (GRCh38, chr17:61,484,275, plus strand): 5'-TTTAAAGGGTTTTTTTTTCCCTTCAAGAGGAGGGAAAATGCAACCAGTAGCATCTCTGTC[A>G]TCATTCAGATTTTGTAATAAAGTACAGAGCCCTTCCCCCTAGGTCCCCAACATACAGTCT-3'